The following is an entry in ClinVar:

ClinVar aggregate classification (germline): Uncertain significance (1 of 4 stars; one submission).

Allele frequency attached by ClinVar (database versions not stated): TOPMed 0.00002.
gnomAD v4.1: 24 of 1,613,990 alleles (0.0015%); highest among the groups gnomAD compares: Admixed American, 0.005%; no homozygotes.

Submission:

Labcorp Genetics (formerly Invitae), Labcorp
Classification: Uncertain significance. Last evaluated: 2022-04-10. Review status: criteria provided, single submitter. Criteria: Invitae Variant Classification Sherloc (09022015). Collection method: clinical testing. Allele origin: germline.
Comment: In summary, the available evidence is currently insufficient to determine the role of this variant in disease. Therefore, it has been classified as a Variant of Uncertain Significance. Algorithms developed to predict the effect of missense changes on protein structure and function (SIFT, PolyPhen-2, Align-GVGD) all suggest that this variant is likely to be disruptive. This variant has not been reported in the literature in individuals affected with BLK-related conditions. This variant is present in population databases (rs577905338, gnomAD 0.006%). This sequence change replaces valine, which is neutral and non-polar, with glycine, which is neutral and non-polar, at codon 418 of the BLK protein (p.Val418Gly).

NM_001715.3(BLK):c.1253T>G (p.Val418Gly)

Gene: BLK (BLK proto-oncogene, Src family tyrosine kinase). Cytogenetic location: 8p23.1.
Variant type: single nucleotide variant.
Coding change: c.1253T>G on transcript NM_001715.3 (MANE Select); coding-DNA position 1253, T replaced by G.
Protein change: p.Val418Gly; replaces valine 418 with glycine.
Molecular consequence: missense variant.
Genome position (GRCh38, 1-based): chr8:11,563,051, T>G. VCF-style: chr8-11563051-T-G. GRCh37 (hg19) VCF-style: chr8-11420560-T-G.
Other names: c.1040T>G, p.Val347Gly (NM_001330465.2); short protein forms V418G, V347G.
Identifiers: ClinVar variation 2085887 (VCV002085887.4), dbSNP rs577905338, ClinGen allele CA172094292.